The following is an entry in ClinVar:

ClinVar aggregate classification (germline): Benign (1 of 4 stars; one submission).

Allele frequency attached by ClinVar (database versions not stated): TOPMed 0.31140; gnomAD 0.31773 and 0.32750; 1000 Genomes Project 30x 0.33745; 1000 Genomes Project 0.34645.
gnomAD v4.1: 49,744 of 151,980 alleles (33%); highest among the groups gnomAD compares: South Asian, 49%; 9,507 homozygotes.

Submission:

GeneDx
Classification: Benign. Last evaluated: 2018-06-18. Review status: criteria provided, single submitter. Criteria: GeneDx Variant Classification (06012015). Collection method: clinical testing. Allele origin: germline. Affected: yes.
Comment: This variant is considered likely benign or benign based on one or more of the following criteria: it is a conservative change, it occurs at a poorly conserved position in the protein, it is predicted to be benign by multiple in silico algorithms, and/or has population frequency not consistent with disease.

NM_002907.4(RECQL):c.1355+218T>G

Gene: RECQL (RecQ like helicase; minus strand). Cytogenetic location: 12p12.1.
Variant type: single nucleotide variant.
Coding change: c.1355+218T>G on transcript NM_002907.4 (MANE Select); 218 bases into the intron after coding-DNA position 1355, T replaced by G.
Molecular consequence: intron variant.
Genome position (GRCh38, 1-based): chr12:21,474,623, A>C on the plus strand (T>G on the coding strand, the complement: RECQL is on the minus strand). VCF-style: chr12-21474623-A-C. GRCh37 (hg19) VCF-style: chr12-21627557-A-C.
Other names: c.1355+218T>G (NM_032941.3).
Identifiers: ClinVar variation 679692 (VCV000679692.1), dbSNP rs997820, ClinGen allele CA15752111.